The following is an entry in ClinVar:

ClinVar aggregate classification (germline): Uncertain significance (1 of 4 stars; one submission).

Conditions:
Bardet-Biedl syndrome (BBS). Identifiers: Orphanet 110, MedGen C0752166, MONDO:0015229.

Submission:

Labcorp Genetics (formerly Invitae), Labcorp
Classification: Uncertain significance for Bardet-Biedl syndrome. Last evaluated: 2024-02-23. Review status: criteria provided, single submitter. Criteria: Invitae Variant Classification Sherloc (09022015). Collection method: clinical testing. Allele origin: germline.
Comment: This sequence change replaces cysteine, which is neutral and slightly polar, with tyrosine, which is neutral and polar, at codon 123 of the BBS10 protein (p.Cys123Tyr). This variant is not present in population databases (gnomAD no frequency). This variant has not been reported in the literature in individuals affected with BBS10-related conditions. ClinVar contains an entry for this variant (Variation ID: 1493174). Advanced modeling of protein sequence and biophysical properties (such as structural, functional, and spatial information, amino acid conservation, physicochemical variation, residue mobility, and thermodynamic stability) has been performed at Invitae for this missense variant, however the output from this modeling did not meet the statistical confidence thresholds required to predict the impact of this variant on BBS10 protein function. In summary, the available evidence is currently insufficient to determine the role of this variant in disease. Therefore, it has been classified as a Variant of Uncertain Significance.

NM_024685.4(BBS10):c.368G>A (p.Cys123Tyr)

Gene: BBS10 (Bardet-Biedl syndrome 10; minus strand). Cytogenetic location: 12q21.2.
Variant type: single nucleotide variant.
Coding change: c.368G>A on transcript NM_024685.4 (MANE Select); coding-DNA position 368, G replaced by A.
Protein change: p.Cys123Tyr; replaces cysteine 123 with tyrosine.
Molecular consequence: missense variant.
Genome position (GRCh38, 1-based): chr12:76,347,617, C>T on the plus strand (G>A on the coding strand, the complement: BBS10 is on the minus strand). VCF-style: chr12-76347617-C-T. GRCh37 (hg19) VCF-style: chr12-76741397-C-T.
Other names: short protein forms C123Y.
Identifiers: ClinVar variation 1493174 (VCV001493174.6), dbSNP rs2136091207, ClinGen allele CA385815427.